The following is an entry in ClinVar:

NM_001378452.1(ITPR1):c.6935C>T (p.Thr2312Ile)

Gene: ITPR1 (inositol 1,4,5-trisphosphate receptor type 1; plus strand). Cytogenetic location: 3p26.1.
Variant type: single nucleotide variant.
Coding change: c.6935C>T on transcript NM_001378452.1 (MANE Select); coding-DNA position 6935, C replaced by T.
Protein change: p.Thr2312Ile; replaces threonine 2312 with isoleucine.
Molecular consequence: missense variant.
Genome position (GRCh38, 1-based): chr3:4,800,428, C>T. VCF-style: chr3-4800428-C-T. GRCh37 (hg19) VCF-style: chr3-4842112-C-T.
Other names: c.6791C>T, p.Thr2264Ile (NM_001099952.4); c.6890C>T, p.Thr2297Ile (NM_001168272.2); c.6746C>T, p.Thr2249Ile (NM_002222.7); short protein forms T2249I, T2297I, T2312I, T2264I.
Identifiers: ClinVar variation 3719139 (VCV003719139.2).

ClinVar aggregate classification (germline): Uncertain significance (1 of 4 stars; one submission).

Submission:

Labcorp Genetics (formerly Invitae), Labcorp
Classification: Uncertain significance. Last evaluated: 2024-11-06. Review status: criteria provided, single submitter. Criteria: Invitae Variant Classification Sherloc (09022015). Collection method: clinical testing. Allele origin: germline.
Comment: This sequence change replaces threonine, which is neutral and polar, with isoleucine, which is neutral and non-polar, at codon 2249 of the ITPR1 protein (p.Thr2249Ile). This variant is not present in population databases (gnomAD no frequency). This variant has not been reported in the literature in individuals affected with ITPR1-related conditions. Invitae Evidence Modeling of protein sequence and biophysical properties (such as structural, functional, and spatial information, amino acid conservation, physicochemical variation, residue mobility, and thermodynamic stability) indicates that this missense variant is not expected to disrupt ITPR1 protein function with a negative predictive value of 95%. In summary, the available evidence is currently insufficient to determine the role of this variant in disease. Therefore, it has been classified as a Variant of Uncertain Significance.